The following is an entry in ClinVar:

ClinVar aggregate classification (germline): Uncertain significance (1 of 4 stars; one submission).

gnomAD v4.1: 2 of 1,613,644 alleles (0.00012%); highest among the groups gnomAD compares: African/African-American, 0.0027%; no homozygotes.

Submission:

GeneDx
Classification: Uncertain significance. Last evaluated: 2025-04-25. Review status: criteria provided, single submitter. Criteria: GeneDx Variant Classification Process June 2021. Collection method: clinical testing. Allele origin: germline. Affected: yes.
Comment: Not observed at significant frequency in large population cohorts (gnomAD); In silico analysis indicates that this missense variant does not alter protein structure/function; Has not been previously published as pathogenic or benign to our knowledge

NM_001329943.3(KIAA0586):c.4540A>C (p.Lys1514Gln)

Gene: KIAA0586 (KIAA0586; plus strand). Cytogenetic location: 14q23.1.
Variant type: single nucleotide variant.
Coding change: c.4540A>C on transcript NM_001329943.3 (MANE Select); coding-DNA position 4540, A replaced by C.
Protein change: p.Lys1514Gln; replaces lysine 1514 with glutamine.
Molecular consequence: missense variant.
Genome position (GRCh38, 1-based): chr14:58,547,825, A>C. VCF-style: chr14-58547825-A-C. GRCh37 (hg19) VCF-style: chr14-59014543-A-C.
Other names: c.4784A>C, p.Gln1595Pro (NM_001244189.2); c.4495A>C, p.Lys1499Gln (NM_001244190.2); c.4285A>C, p.Lys1429Gln (NM_001244191.2, NM_001364701.2); c.4408A>C, p.Lys1470Gln (NM_001244192.2, NM_001329947.2); c.4625A>C, p.Gln1542Pro (NM_001329944.2); c.4219A>C, p.Lys1407Gln (NM_001329945.2); c.4474A>C, p.Lys1492Gln (NM_001329946.2); c.4312A>C, p.Lys1438Gln (NM_014749.5); short protein forms K1407Q, K1429Q, K1438Q, K1470Q, K1492Q, K1499Q, K1514Q, Q1542P.
Identifiers: ClinVar variation 4527126 (VCV004527126.1).
Genomic context (GRCh38, chr14:58,547,825, plus strand): 5'-CTTCTCCTTTGTGCAGGTGGGAAAGCAGTGCCACTCTCCGCTTCACAGATGCCCCCTGCC[A>C]AGATGTCAGTGATGCTGCCGTCAGTGAACCTCGAGGACTGCTCTCAGTCTCTGAGTCTCA-3'
Protein context (NP_001316872.1, residues 1504-1524): PLSASQMPPA[Lys1514Gln]MSVMLPSVNL